The following is an entry in ClinVar:

NM_004281.4(BAG3):c.1013dup (p.Ile339fs)

Gene: BAG3 (BAG cochaperone 3; plus strand). Cytogenetic location: 10q26.11.
Variant type: Duplication.
Coding change: c.1013dup on transcript NM_004281.4 (MANE Select); coding-DNA position 1013, one base duplicated (C; older notation c.1013dupC).
Protein change: p.Ile339fs; shifts the reading frame from isoleucine 339.
Molecular consequence: frameshift variant.
Genome position (GRCh38, 1-based): chr10:119,676,567, C duplicated; the last of 3 consecutive C bases (chr10:119,676,565-119,676,567); duplicating any one gives the same sequence. VCF-style (leftmost placement, unchanged base first): chr10-119676564-T-TC. GRCh37 (hg19) VCF-style: chr10-121436076-T-TC.
Other names: short protein forms I339fs.
Identifiers: ClinVar variation 2055764 (VCV002055764.4), dbSNP rs2494022527, ClinGen allele CA2580082415.

ClinVar aggregate classification (germline): Pathogenic (1 of 4 stars; one submission).

Conditions:
Myofibrillar myopathy 6. Identifiers: Orphanet 199340, MedGen C2751831, MONDO:0013061, OMIM 612954.
Dilated cardiomyopathy 1HH (CMD1HH). Identifiers: Orphanet 154, MedGen C3151293, MONDO:0013479, OMIM 613881.

Submission:

Labcorp Genetics (formerly Invitae), Labcorp
Classification: Pathogenic for Dilated cardiomyopathy 1HH; Myofibrillar myopathy 6. Last evaluated: 2021-12-23. Review status: criteria provided, single submitter. Criteria: Invitae Variant Classification Sherloc (09022015). Collection method: clinical testing. Allele origin: germline.
Comment: This sequence change creates a premature translational stop signal (p.Ile339Asnfs*11) in the BAG3 gene. While this is not anticipated to result in nonsense mediated decay, it is expected to disrupt the last 237 amino acid(s) of the BAG3 protein. This variant is not present in population databases (gnomAD no frequency). This variant has not been reported in the literature in individuals affected with BAG3-related conditions. This variant disrupts a region of the BAG3 protein in which other variant(s) (p.Leu423Lysfs*14) have been determined to be pathogenic (PMID: 24623017). This suggests that this is a clinically significant region of the protein, and that variants that disrupt it are likely to be disease-causing. For these reasons, this variant has been classified as Pathogenic.

Literature cited by the submitters: PubMed 24623017.